The following is an entry in ClinVar:

NM_005559.4(LAMA1):c.9158C>G (p.Ser3053Cys)

Gene: LAMA1 (laminin subunit alpha 1; minus strand). Cytogenetic location: 18p11.31.
Variant type: single nucleotide variant.
Coding change: c.9158C>G on transcript NM_005559.4 (MANE Select); coding-DNA position 9158, C replaced by G.
Protein change: p.Ser3053Cys; replaces serine 3053 with cysteine.
Molecular consequence: missense variant.
Genome position (GRCh38, 1-based): chr18:6,942,149, G>C on the plus strand (C>G on the coding strand, the complement: LAMA1 is on the minus strand). VCF-style: chr18-6942149-G-C. GRCh37 (hg19) VCF-style: chr18-6942148-G-C.
Other names: c.9158C>G (NM_005559.3); short protein forms S3053C.
Identifiers: ClinVar variation 2044307 (VCV002044307.5), dbSNP rs779681409, ClinGen allele CA8880232.

ClinVar aggregate classification (germline): Uncertain significance. Review status: criteria provided, multiple submitters, no conflicts (2 of 4 stars). 2 submissions from 2 submitters: Uncertain significance (2). Last evaluated 2025-09-28.

Conditions:
Inborn genetic diseases. Identifiers: MedGen C0950123, MeSH D030342.

Allele frequency attached by ClinVar (database versions not stated): ExAC 0.00001.

Submissions (2):

Ambry Genetics
Classification: Uncertain significance for Inborn genetic diseases. Last evaluated: 2025-09-28. Review status: criteria provided, single submitter. Criteria: Ambry Variant Classification Scheme 2023. Collection method: clinical testing. Allele origin: germline.
Comment: The c.9158C>G (p.S3053C) alteration is located in exon 63 (coding exon 63) of the LAMA1 gene. This alteration results from a C to G substitution at nucleotide position 9158, causing the serine (S) at amino acid position 3053 to be replaced by a cysteine (C). Based on data from gnomAD, the G allele has an overall frequency of 0.001% (2/249618) total alleles studied. The highest observed frequency was 0.006% (1/16250) of African alleles. Based on insufficient or conflicting evidence, the clinical significance of this alteration remains unclear.

Labcorp Genetics (formerly Invitae), Labcorp
Classification: Uncertain significance. Last evaluated: 2021-12-16. Review status: criteria provided, single submitter. Criteria: Invitae Variant Classification Sherloc (09022015). Collection method: clinical testing. Allele origin: germline.
Comment: In summary, the available evidence is currently insufficient to determine the role of this variant in disease. Therefore, it has been classified as a Variant of Uncertain Significance. Algorithms developed to predict the effect of missense changes on protein structure and function (SIFT, PolyPhen-2, Align-GVGD) all suggest that this variant is likely to be tolerated. This variant has not been reported in the literature in individuals affected with LAMA1-related conditions. This variant is present in population databases (rs779681409, gnomAD 0.007%). This sequence change replaces serine, which is neutral and polar, with cysteine, which is neutral and slightly polar, at codon 3053 of the LAMA1 protein (p.Ser3053Cys).